The following is an entry in ClinVar:

NC_000013.10:g.(?_100962067)_(100992533_?)del

Gene: PCCA (propionyl-CoA carboxylase subunit alpha; plus strand). Cytogenetic location: 13q32.3.
Variant type: Deletion.
Identifiers: ClinVar variation 3244147 (VCV003244147.1).

ClinVar aggregate classification (germline): Pathogenic (1 of 4 stars; one submission).

Conditions:
Propionic acidemia (PROP). Also called: GLYCINEMIA, KETOTIC; HYPERGLYCINEMIA WITH KETOACIDOSIS AND LEUKOPENIA; KETOTIC HYPERGLYCINEMIA. Identifiers: Orphanet 35, MedGen C0268579, MONDO:0011628, OMIM 606054, HP:0003571.

Submission:

Labcorp Genetics (formerly Invitae), Labcorp
Classification: Pathogenic for Propionic acidemia. Last evaluated: 2023-05-22. Review status: criteria provided, single submitter. Criteria: Invitae Variant Classification Sherloc (09022015). Collection method: clinical testing. Allele origin: unknown.
Comment: For these reasons, this variant has been classified as Pathogenic. This variant has not been reported in the literature in individuals affected with PCCA-related conditions. This variant is a gross deletion of the genomic region encompassing exon(s) 16-18 of the PCCA gene. This deletion is out-of-frame, and is expected to create a premature termination codon and result in an absent or disrupted protein product. Loss-of-function variants in PCCA are known to be pathogenic (PMID: 15464417).

Literature cited by the submitters: PubMed 15464417.